The following is an entry in ClinVar:

NM_018685.5(ANLN):c.267G>A (p.Glu89=)

Gene: ANLN (anillin, actin binding protein; plus strand). Cytogenetic location: 7p14.2.
Variant type: single nucleotide variant.
Coding change: c.267G>A on transcript NM_018685.5 (MANE Select); coding-DNA position 267, G replaced by A.
Protein change: p.Glu89=; no amino-acid change (glutamic acid 89 retained).
Molecular consequence: synonymous variant.
Genome position (GRCh38, 1-based): chr7:36,399,173, G>A. VCF-style: chr7-36399173-G-A. GRCh37 (hg19) VCF-style: chr7-36438782-G-A.
Other names: c.267G>A (NM_018685.4); c.267G>A, p.Glu89= (NM_001284301.3, NM_001284302.3).
Identifiers: ClinVar variation 1164588 (VCV001164588.10), dbSNP rs200531175, ClinGen allele CA4219310.
Genomic context (GRCh38, chr7:36,399,173, plus strand): 5'-ACGCTGTTCTGACAACACTGAAGTAGAAGTTTCTAACTTGGAAAATAAACAACCAGTTGA[G>A]TCGACATCTGCAAAATCTTGTTCTCCAAGTCCTGTGTCTCCTCAGGTGCAGCCACAAGCA-3'
Protein context (NP_061155.2, residues 79-99): VSNLENKQPV[Glu89=]STSAKSCSPS

ClinVar aggregate classification (germline): Benign/Likely benign. Review status: criteria provided, multiple submitters, no conflicts (2 of 4 stars). 2 submissions from 2 submitters: Benign (1); Likely benign (1). Last evaluated 2026-09-18.

Conditions:
ANLN-related disorder. Also called: ANLN-related condition.

Allele frequency attached by ClinVar (database versions not stated): gnomAD exomes 0.00019 and 0.00054; ExAC 0.00021; gnomAD 0.00022 and 0.00023; TOPMed 0.00027; ESP Exome Variant Server 0.00031.
gnomAD v4.1: 821 of 1,614,134 alleles (0.051%); highest among the groups gnomAD compares: Non-Finnish European, 0.065%; 1 homozygote.

Submissions (2):

PreventionGenetics, part of Exact Sciences
Classification: Likely benign for ANLN-related condition. Last evaluated: 2026-09-18. Review status: criteria provided, single submitter. Criteria: ACMG Guidelines, 2015. Collection method: clinical testing. Allele origin: germline.
Comment: This variant is classified as likely benign based on ACMG/AMP sequence variant interpretation guidelines (Richards et al. 2015 PMID: 25741868, with internal and published modifications).

Labcorp Genetics (formerly Invitae), Labcorp
Classification: Benign. Last evaluated: 2024-03-21. Review status: criteria provided, single submitter. Criteria: Invitae Variant Classification Sherloc (09022015). Collection method: clinical testing. Allele origin: germline.